The following is an entry in ClinVar:

NM_015978.3(TNNI3K):c.1364A>C (p.His455Pro)

Genes: FPGT-TNNI3K (FPGT-TNNI3K readthrough; plus strand), TNNI3K (TNNI3 interacting kinase; plus strand). Cytogenetic location: 1p31.1.
Variant type: single nucleotide variant.
Coding change: c.1364A>C on transcript NM_015978.3 (MANE Select); coding-DNA position 1364, A replaced by C.
Protein change: p.His455Pro; replaces histidine 455 with proline.
Molecular consequence: missense variant.
Genome position (GRCh38, 1-based): chr1:74,369,064, A>C. VCF-style: chr1-74369064-A-C. GRCh37 (hg19) VCF-style: chr1-74834748-A-C.
Other names: c.1667A>C, p.His556Pro (NM_001112808.3, NM_001199327.2); short protein forms H455P, H556P.
Identifiers: ClinVar variation 2038130 (VCV002038130.4), dbSNP rs2524468958, ClinGen allele CA340785790.
Genomic context (GRCh38, chr1:74,369,064, plus strand): 5'-GACAATTTCTCTTTGCAGAGAAGGCAGATATTCTCCTCCTAAGAGCTGGATTGCCTTCAC[A>C]TTTCCATCTTCAGCTCTCAGAAATTGAGTTCCATGAGATTATTGGCTCAGGTAACCTAAA-3'
Protein context (NP_057062.1, residues 445-465): ILLLRAGLPS[His455Pro]FHLQLSEIEF

ClinVar aggregate classification (germline): Uncertain significance (1 of 4 stars; one submission).

Submission:

Labcorp Genetics (formerly Invitae), Labcorp
Classification: Uncertain significance. Last evaluated: 2022-04-28. Review status: criteria provided, single submitter. Criteria: Invitae Variant Classification Sherloc (09022015). Collection method: clinical testing. Allele origin: germline.
Comment: In summary, the available evidence is currently insufficient to determine the role of this variant in disease. Therefore, it has been classified as a Variant of Uncertain Significance. Algorithms developed to predict the effect of missense changes on protein structure and function are either unavailable or do not agree on the potential impact of this missense change (SIFT: "Deleterious"; PolyPhen-2: "Benign"; Align-GVGD: "Class C25"). This variant has not been reported in the literature in individuals affected with TNNI3K-related conditions. This variant is not present in population databases (gnomAD no frequency). This sequence change replaces histidine, which is basic and polar, with proline, which is neutral and non-polar, at codon 455 of the TNNI3K protein (p.His455Pro).